The following is an entry in ClinVar:

NM_002103.5(GYS1):c.493-1G>C

Gene: GYS1 (glycogen synthase 1; minus strand). Cytogenetic location: 19q13.33.
Variant type: single nucleotide variant.
Coding change: c.493-1G>C on transcript NM_002103.5 (MANE Select); the canonical splice acceptor site of the intron before coding-DNA position 493, G replaced by C.
Molecular consequence: splice acceptor variant.
Genome position (GRCh38, 1-based): chr19:48,986,036, C>G on the plus strand (G>C on the coding strand, the complement: GYS1 is on the minus strand). VCF-style: chr19-48986036-C-G. GRCh37 (hg19) VCF-style: chr19-49489293-C-G.
Other names: c.301-1G>C (NM_001161587.2).
Identifiers: ClinVar variation 3608768 (VCV003608768.2).

ClinVar aggregate classification (germline): Likely pathogenic (1 of 4 stars; one submission).

Conditions:
Glycogen storage disease due to muscle and heart glycogen synthase deficiency. Also called: GSD 0b; MUSCLE GLYCOGEN SYNTHASE DEFICIENCY. Identifiers: Orphanet 137625, MedGen C1969054, MONDO:0012693, OMIM 611556.

Submission:

Labcorp Genetics (formerly Invitae), Labcorp
Classification: Likely pathogenic for Glycogen storage disease due to muscle and heart glycogen synthase deficiency. Last evaluated: 2024-08-13. Review status: criteria provided, single submitter. Criteria: Invitae Variant Classification Sherloc (09022015). Collection method: clinical testing. Allele origin: germline.
Comment: This sequence change affects an acceptor splice site in intron 3 of the GYS1 gene. It is expected to disrupt RNA splicing. Variants that disrupt the donor or acceptor splice site typically lead to a loss of protein function (PMID: 16199547), and loss-of-function variants in GYS1 are known to be pathogenic (PMID: 17928598, 19699667). This variant is not present in population databases (gnomAD no frequency). This variant has not been reported in the literature in individuals affected with GYS1-related conditions. Algorithms developed to predict the effect of sequence changes on RNA splicing suggest that this variant may disrupt the consensus splice site. In summary, the currently available evidence indicates that the variant is pathogenic, but additional data are needed to prove that conclusively. Therefore, this variant has been classified as Likely Pathogenic.

Literature cited by the submitters: PubMed 16199547; PubMed 17928598; PubMed 19699667.